The following is an entry in ClinVar:

ClinVar aggregate classification (germline): Conflicting classifications of pathogenicity. Review status: criteria provided, conflicting classifications (1 of 4 stars). 2 submissions from 2 submitters: Uncertain significance (1); Likely benign (1). Last evaluated 2024-03-27.

Conditions:
Inborn genetic diseases. Identifiers: MedGen C0950123, MeSH D030342.
Mosaic variegated aneuploidy syndrome 1 (MVA1). Also called: Warburton-Anyane-Yeboa syndrome. Identifiers: Orphanet 1052, MedGen C1850343, MONDO:0009759, OMIM 257300.

Allele frequency attached by ClinVar (database versions not stated): TOPMed below 0.00001; ExAC 0.00002; gnomAD exomes 0.00002.
gnomAD v4.1: 40 of 1,614,180 alleles (0.0025%); highest among the groups gnomAD compares: Non-Finnish European, 0.0034%; no homozygotes.

Submissions (2):

Ambry Genetics
Classification: Likely benign for Inborn genetic diseases. Last evaluated: 2024-03-27. Review status: criteria provided, single submitter. Criteria: Ambry Variant Classification Scheme 2023. Collection method: clinical testing. Allele origin: germline.

Labcorp Genetics (formerly Invitae), Labcorp
Classification: Uncertain significance for Mosaic variegated aneuploidy syndrome 1. Last evaluated: 2024-02-05. Review status: criteria provided, single submitter. Criteria: Invitae Variant Classification Sherloc (09022015). Collection method: clinical testing. Allele origin: germline.
Comment: This sequence change replaces threonine, which is neutral and polar, with isoleucine, which is neutral and non-polar, at codon 1025 of the BUB1B protein (p.Thr1025Ile). This variant is present in population databases (rs770219125, gnomAD 0.004%). This variant has not been reported in the literature in individuals affected with BUB1B-related conditions. ClinVar contains an entry for this variant (Variation ID: 1384003). An algorithm developed to predict the effect of missense changes on protein structure and function (PolyPhen-2) suggests that this variant is likely to be tolerated. In summary, the available evidence is currently insufficient to determine the role of this variant in disease. Therefore, it has been classified as a Variant of Uncertain Significance.

NM_001211.6(BUB1B):c.3074C>T (p.Thr1025Ile)

Genes: BUB1B (BUB1 mitotic checkpoint serine/threonine kinase B; plus strand), BUB1B-PAK6 (BUB1B-PAK6 readthrough; plus strand). Cytogenetic location: 15q15.1.
Variant type: single nucleotide variant.
Coding change: c.3074C>T on transcript NM_001211.6 (MANE Select); coding-DNA position 3074, C replaced by T.
Protein change: p.Thr1025Ile; replaces threonine 1025 with isoleucine.
Molecular consequence: missense variant. On other transcripts: intron variant (2).
Genome position (GRCh38, 1-based): chr15:40,220,680, C>T. VCF-style: chr15-40220680-C-T. GRCh37 (hg19) VCF-style: chr15-40512881-C-T.
Other names: c.-201+3013C>T (NM_001128628.3); c.-118+3013C>T (NM_001128629.3); short protein forms T1025I.
Identifiers: ClinVar variation 1384003 (VCV001384003.9), dbSNP rs770219125, ClinGen allele CA7476192.